The following is an entry in ClinVar:

ClinVar aggregate classification (germline): Uncertain significance (1 of 4 stars; one submission).

Conditions:
Hereditary sensory and autonomic neuropathy type 6. Also called: HSAN VI; Neuropathy, hereditary sensory and autonomic, type VI. Identifiers: Orphanet 314381, MedGen C3539003, MONDO:0013839, OMIM 614653.
Epidermolysis bullosa simplex 3, localized or generalized intermediate, with BP230 deficiency (EBS3). Also called: Epidermolysis bullosa simplex, autosomal recessive 2; Epidermolysis bullosa simplex due to BP230 deficiency. Identifiers: Orphanet 412181, MedGen C3809470, MONDO:0014180, OMIM 615425.

Allele frequency attached by ClinVar (database versions not stated): gnomAD exomes below 0.00001; TOPMed below 0.00001; gnomAD 0.00001.
gnomAD v4.1: 4 of 1,613,002 alleles (0.00025%); highest among the groups gnomAD compares: Admixed American, 0.0017%; no homozygotes.

Submission:

Labcorp Genetics (formerly Invitae), Labcorp
Classification: Uncertain significance for Epidermolysis bullosa simplex 3, localized or generalized intermediate, with BP230 deficiency; Hereditary sensory and autonomic neuropathy type 6. Last evaluated: 2023-09-13. Review status: criteria provided, single submitter. Criteria: Invitae Variant Classification Sherloc (09022015). Collection method: clinical testing. Allele origin: germline.
Comment: Experimental studies and prediction algorithms are not available or were not evaluated, and the functional significance of this variant is currently unknown. In summary, the available evidence is currently insufficient to determine the role of this variant in disease. Therefore, it has been classified as a Variant of Uncertain Significance. The DST gene has multiple clinically relevant transcripts. This variant occurs in alternate transcript NM_015548.4, and corresponds to NM_001723.5:c.*23328A>G in the primary transcript. This sequence change replaces glutamic acid, which is acidic and polar, with glycine, which is neutral and non-polar, at codon 1676 of the DST protein (p.Glu1676Gly). This variant is not present in population databases (gnomAD no frequency). This variant has not been reported in the literature in individuals affected with DST-related conditions.

NM_001374736.1(DST):c.12896A>G (p.Glu4299Gly)

Gene: DST (dystonin; minus strand). Cytogenetic location: 6p12.1.
Variant type: single nucleotide variant.
Coding change: c.12896A>G on transcript NM_001374736.1 (MANE Select); coding-DNA position 12896, A replaced by G.
Protein change: p.Glu4299Gly; replaces glutamic acid 4299 with glycine.
Molecular consequence: missense variant.
Genome position (GRCh38, 1-based): chr6:56,592,189, T>C on the plus strand (A>G on the coding strand, the complement: DST is on the minus strand). VCF-style: chr6-56592189-T-C. GRCh37 (hg19) VCF-style: chr6-56456987-T-C.
Other names: c.6539A>G, p.Glu2180Gly (NM_001144769.5); c.6125A>G, p.Glu2042Gly (NM_001144770.2); c.12896A>G, p.Glu4299Gly (NM_001374722.1); c.12263A>G, p.Glu4088Gly (NM_001374729.1); c.6005A>G, p.Glu2002Gly (NM_001374730.1, NM_001386100.1, NM_183380.4); c.12923A>G, p.Glu4308Gly (NM_001374734.1); c.5027A>G, p.Glu1676Gly (NM_015548.5); short protein forms E1676G, E2002G, E4088G, E2042G, E2180G, E4299G, E4308G.
Identifiers: ClinVar variation 1384785 (VCV001384785.4), dbSNP rs2098289059, ClinGen allele CA364524210.
Genomic context (GRCh38, chr6:56,592,189, plus strand): 5'-GGAAGCCTTTCAGTAAGACTACTGGAAATGTGGATCTTTCTCTCGCTTTTTACCTTGGTC[T>C]CTTCTAATTGCCTTTGAAGATTTTTGGGGTCCACCGCAATAGGTTCAGATAAGTGTTTGC-3'
Protein context (NP_001361665.1, residues 4289-4309): DPKNLQRQLE[Glu4299Gly]TKALQGQISS